The following is an entry in ClinVar:

NM_201384.3(PLEC):c.6753_6815del (p.Asn2251_Glu2271del)

Gene: PLEC (plectin; minus strand). Cytogenetic location: 8q24.3.
Variant type: Deletion.
Coding change: c.6753_6815del on transcript NM_201384.3 (MANE Select); coding-DNA positions 6753 to 6815, 63 bases deleted.
Protein change: p.Asn2251_Glu2271del.
Molecular consequence: inframe deletion. On other transcripts: intron variant (1).
Genome position (GRCh38, 1-based): chr8:143,923,114-143,923,176, 63 bases deleted. GRCh37 (hg19): chr8:144,997,293-144,997,355.
Other names: c.6834_6896del, p.Asn2278_Glu2298del (NM_000445.5); c.6711_6773del, p.Asn2237_Glu2257del (NM_201378.4); c.6687_6749del, p.Asn2229_Glu2249del (NM_201379.3); c.7164_7226del, p.Asn2388_Glu2408del (NM_201380.4); c.6657_6719del, p.Asn2219_Glu2239del (NM_201381.3); c.6753_6815del, p.Asn2251_Glu2271del (NM_201382.4); c.6765_6827del, p.Asn2255_Glu2275del (NM_201383.3); c.4126-781_4126-719del (NM_001410941.1).
Identifiers: ClinVar variation 2944549 (VCV002944549.3), dbSNP rs1564015664, ClinGen allele CA4925846.

ClinVar aggregate classification (germline): Uncertain significance (1 of 4 stars; one submission).

Conditions:
Epidermolysis bullosa simplex with nail dystrophy (EBS5D). Identifiers: MedGen C4225309, MONDO:0014661, OMIM 616487.
Epidermolysis bullosa simplex, Ogna type (EBS5A). Also called: Pidermolysis bullosa simplex 5A, Ogna type; EPIDERMOLYSIS BULLOSA SIMPLEX 5A, OGNA TYPE. Identifiers: Orphanet 79401, MedGen C0432317, MONDO:0007555, OMIM 131950.
Autosomal recessive limb-girdle muscular dystrophy type 2Q (LGMDR17). Also called: MUSCULAR DYSTROPHY, LIMB-GIRDLE, AUTOSOMAL RECESSIVE 17. Identifiers: Orphanet 254361, MedGen C3150989, MONDO:0013390, OMIM 613723.
Epidermolysis bullosa simplex 5B, with muscular dystrophy (EBS5B). Also called: EPIDERMOLYSIS BULLOSA SIMPLEX AND LIMB-GIRDLE MUSCULAR DYSTROPHY; Epidermolysis bullosa simplex with muscular dystrophy. Identifiers: Orphanet 257, MedGen C2931072, MONDO:0009181, OMIM 226670.
Epidermolysis bullosa simplex 5C, with pyloric atresia (EBS5C). Also called: PLEC-Related Epidermolysis Bullosa with Pyloric Atresia; Epidermolysis bullosa simplex with pyloric atresia; PLEC1-Related Epidermolysis Bullosa with Pyloric Atresia. Identifiers: Orphanet 158684, MedGen C2677349, MONDO:0012807, OMIM 612138.

Submission:

Labcorp Genetics (formerly Invitae), Labcorp
Classification: Uncertain significance for Autosomal recessive limb-girdle muscular dystrophy type 2Q; Epidermolysis bullosa simplex, Ogna type; Epidermolysis bullosa simplex with nail dystrophy; Epidermolysis bullosa simplex 5C, with pyloric atresia; Epidermolysis bullosa simplex 5B, with muscular dystrophy. Last evaluated: 2023-02-20. Review status: criteria provided, single submitter. Criteria: Invitae Variant Classification Sherloc (09022015). Collection method: clinical testing. Allele origin: germline.
Comment: This variant, c.6834_6896del, results in the deletion of 21 amino acid(s) of the PLEC protein (p.Asn2278_Glu2298del), but otherwise preserves the integrity of the reading frame. This variant is present in population databases (no rsID available, gnomAD 0.007%). In summary, the available evidence is currently insufficient to determine the role of this variant in disease. Therefore, it has been classified as a Variant of Uncertain Significance. This variant disrupts a region of the PLEC protein in which other variant(s) (p.Leu2281Phe) have been observed in individuals with PLEC-related conditions (Invitae). This suggests that this is a clinically significant region of the protein, and that variants that disrupt it are likely to be disease-causing. Experimental studies and prediction algorithms are not available or were not evaluated, and the functional significance of this variant is currently unknown. This variant has not been reported in the literature in individuals affected with PLEC-related conditions.